The following is an entry in ClinVar:

ClinVar aggregate classification (germline): Benign. Review status: criteria provided, single submitter (1 of 4 stars). 2 submissions from 2 submitters: Benign (1). 1 of the submissions does not count toward it. Last evaluated 2018-04-11.

Conditions:
MED13-related disorder. Also called: MED13-related condition.

Allele frequency attached by ClinVar (database versions not stated): gnomAD exomes 0.00034 and 0.00100; ExAC 0.00127; 1000 Genomes Project 0.00260; 1000 Genomes Project 30x 0.00312; ESP Exome Variant Server 0.00358; gnomAD 0.00358 and 0.00391; TOPMed 0.00423.
gnomAD v4.1: 1,037 of 1,549,694 alleles (0.067%); highest among the groups gnomAD compares: African/African-American, 1.3%; 6 homozygotes.

Submissions (2):

Labcorp Genetics (formerly Invitae), Labcorp
Classification: Benign. Last evaluated: 2018-04-11. Review status: criteria provided, single submitter. Criteria: Invitae Variant Classification Sherloc (09022015). Collection method: clinical testing. Allele origin: germline.

PreventionGenetics, part of Exact Sciences
Classification: Benign for MED13-related condition. Last evaluated: 2023-04-25. Review status: no assertion criteria provided. Collection method: clinical testing. Allele origin: germline. Not counted in ClinVar's aggregate classification.
Comment: This variant is classified as benign based on ACMG/AMP sequence variant interpretation guidelines (Richards et al. 2015 PMID: 25741868, with internal and published modifications).

NM_005121.3(MED13):c.302-5T>C

Gene: MED13 (mediator complex subunit 13; minus strand). Cytogenetic location: 17q23.2.
Variant type: single nucleotide variant.
Coding change: c.302-5T>C on transcript NM_005121.3 (MANE Select); 5 bases into the intron before coding-DNA position 302, T replaced by C.
Molecular consequence: intron variant.
Genome position (GRCh38, 1-based): chr17:62,052,710, A>G on the plus strand (T>C on the coding strand, the complement: MED13 is on the minus strand). VCF-style: chr17-62052710-A-G. GRCh37 (hg19) VCF-style: chr17-60130071-A-G.
Identifiers: ClinVar variation 768905 (VCV000768905.5), dbSNP rs190261461, ClinGen allele CA8693338.